The following is an entry in ClinVar:

ClinVar aggregate classification (germline): Likely benign (0 of 4 stars; one submission).

Conditions:
HSPG2-related disorder. Also called: HSPG2-related disorders; HSPG2-related condition.

Submission:

PreventionGenetics, part of Exact Sciences
Classification: Likely benign for HSPG2-related condition. Last evaluated: 2019-02-28. Review status: no assertion criteria provided. Collection method: clinical testing. Allele origin: germline.
Comment: This variant is classified as likely benign based on ACMG/AMP sequence variant interpretation guidelines (Richards et al. 2015 PMID: 25741868, with internal and published modifications).

NM_005529.7(HSPG2):c.7377C>G (p.Leu2459=)

Gene: HSPG2 (heparan sulfate proteoglycan 2; minus strand). Cytogenetic location: 1p36.12.
Variant type: single nucleotide variant.
Coding change: c.7377C>G on transcript NM_005529.7 (MANE Select); coding-DNA position 7377, C replaced by G.
Protein change: p.Leu2459=; no amino-acid change (leucine 2459 retained).
Molecular consequence: synonymous variant.
Genome position (GRCh38, 1-based): chr1:21,850,110, G>C on the plus strand (C>G on the coding strand, the complement: HSPG2 is on the minus strand). VCF-style: chr1-21850110-G-C. GRCh37 (hg19) VCF-style: chr1-22176603-G-C.
Other names: c.7380C>G, p.Leu2460= (NM_001291860.2).
Identifiers: ClinVar variation 3057621 (VCV003057621.2), dbSNP rs148384253, ClinGen allele CA416551957.